The following is an entry in ClinVar:

NM_020442.6(VARS2):c.1650G>A (p.Trp550Ter)

Gene: VARS2 (valyl-tRNA synthetase 2, mitochondrial; plus strand). Cytogenetic location: 6p21.33.
Variant type: single nucleotide variant.
Coding change: c.1650G>A on transcript NM_020442.6 (MANE Select); coding-DNA position 1650, G replaced by A.
Protein change: p.Trp550Ter; replaces tryptophan 550 with a stop codon.
Molecular consequence: nonsense.
Genome position (GRCh38, 1-based): chr6:30,921,606, G>A. VCF-style: chr6-30921606-G-A. GRCh37 (hg19) VCF-style: chr6-30889383-G-A.
Other names: c.1230G>A, p.Trp410Ter (NM_001167733.3); c.1740G>A, p.Trp580Ter (NM_001167734.2); short protein forms W580*, W410*, W550*.
Identifiers: ClinVar variation 4733523 (VCV004733523.1).

ClinVar aggregate classification (germline): Pathogenic (1 of 4 stars; one submission).

Submission:

Labcorp Genetics (formerly Invitae), Labcorp
Classification: Pathogenic. Last evaluated: 2025-12-23. Review status: criteria provided, single submitter. Criteria: Invitae Variant Classification Sherloc (09022015). Collection method: clinical testing. Allele origin: germline.
Comment: This sequence change creates a premature translational stop signal (p.Trp580*) in the VARS2 gene. It is expected to result in an absent or disrupted protein product. Loss-of-function variants in VARS2 are known to be pathogenic (PMID: 29313548). This variant is not present in population databases (gnomAD no frequency). This variant has not been reported in the literature in individuals affected with VARS2-related conditions. For these reasons, this variant has been classified as Pathogenic.

Literature cited by the submitters: PubMed 29313548.